The following is an entry in ClinVar:

ClinVar aggregate classification (germline): Pathogenic (1 of 4 stars; one submission).

Submission:

Labcorp Genetics (formerly Invitae), Labcorp
Classification: Pathogenic. Last evaluated: 2023-04-06. Review status: criteria provided, single submitter. Criteria: Invitae Variant Classification Sherloc (09022015). Collection method: clinical testing. Allele origin: germline.
Comment: This sequence change creates a premature translational stop signal (p.Leu464Trpfs*20) in the ERCC2 gene. It is expected to result in an absent or disrupted protein product. Loss-of-function variants in ERCC2 are known to be pathogenic (PMID: 9238033, 11335038, 19085937, 19934020). This variant is not present in population databases (gnomAD no frequency). This variant has not been reported in the literature in individuals affected with ERCC2-related conditions. For these reasons, this variant has been classified as Pathogenic.

Literature cited by the submitters: PubMed 9238033; PubMed 11335038; PubMed 19085937; PubMed 19934020.

NM_000400.4(ERCC2):c.1390del (p.Leu464fs)

Gene: ERCC2 (ERCC excision repair 2, TFIIH core complex helicase subunit; minus strand). Cytogenetic location: 19q13.32.
Variant type: Deletion.
Coding change: c.1390del on transcript NM_000400.4 (MANE Select); coding-DNA position 1390, one base deleted (C; older notation c.1390delC).
Protein change: p.Leu464fs; shifts the reading frame from leucine 464.
Molecular consequence: frameshift variant.
Genome position (GRCh38, 1-based): chr19:45,357,359, G deleted on the plus strand (C on the coding strand, the reverse complement: ERCC2 is on the minus strand). VCF-style (leftmost placement, unchanged base first): chr19-45357358-AG-A. GRCh37 (hg19) VCF-style: chr19-45860616-AG-A.
Other names: short protein forms L464fs.
Identifiers: ClinVar variation 2852423 (VCV002852423.3), dbSNP rs2514012636, ClinGen allele CA2739276894.